The following is an entry in ClinVar:

ClinVar aggregate classification (germline): Likely benign (0 of 4 stars; one submission).

Conditions:
CUL9-related disorder. Also called: CUL9-related condition.

Allele frequency attached by ClinVar (database versions not stated): 1000 Genomes Project 30x 0.00109; 1000 Genomes Project 0.00120; TOPMed 0.00172; gnomAD 0.00204; ExAC 0.00227; ESP Exome Variant Server 0.00231; gnomAD exomes 0.00329.
gnomAD v4.1: 5,046 of 1,614,146 alleles (0.31%); highest among the groups gnomAD compares: Non-Finnish European, 0.39%; 16 homozygotes.

Submission:

PreventionGenetics, part of Exact Sciences
Classification: Likely benign for CUL9-related condition. Last evaluated: 2022-10-26. Review status: no assertion criteria provided. Collection method: clinical testing. Allele origin: germline.
Comment: This variant is classified as likely benign based on ACMG/AMP sequence variant interpretation guidelines (Richards et al. 2015 PMID: 25741868, with internal and published modifications).

NM_015089.4(CUL9):c.4352G>T (p.Ser1451Ile)

Gene: CUL9 (cullin 9; plus strand). Cytogenetic location: 6p21.1.
Variant type: single nucleotide variant.
Coding change: c.4352G>T on transcript NM_015089.4 (MANE Select); coding-DNA position 4352, G replaced by T.
Protein change: p.Ser1451Ile; replaces serine 1451 with isoleucine.
Molecular consequence: missense variant.
Genome position (GRCh38, 1-based): chr6:43,204,760, G>T. VCF-style: chr6-43204760-G-T. GRCh37 (hg19) VCF-style: chr6-43172498-G-T.
Other names: short protein forms S1451I.
Identifiers: ClinVar variation 3043060 (VCV003043060.2), dbSNP rs146947829, ClinGen allele CA3818113.